The following is an entry in ClinVar:

ClinVar aggregate classification (germline): Uncertain significance (1 of 4 stars; one submission).

Submission:

Labcorp Genetics (formerly Invitae), Labcorp
Classification: Uncertain significance. Last evaluated: 2022-03-18. Review status: criteria provided, single submitter. Criteria: Invitae Variant Classification Sherloc (09022015). Collection method: clinical testing. Allele origin: germline.
Comment: In summary, the available evidence is currently insufficient to determine the role of this variant in disease. Therefore, it has been classified as a Variant of Uncertain Significance. Algorithms developed to predict the effect of missense changes on protein structure and function output the following: SIFT: "Tolerated"; PolyPhen-2: "Benign"; Align-GVGD: "Class C0". The tyrosine amino acid residue is found in multiple mammalian species, which suggests that this missense change does not adversely affect protein function. This variant has not been reported in the literature in individuals affected with MYSM1-related conditions. This variant is not present in population databases (gnomAD no frequency). This sequence change replaces phenylalanine, which is neutral and non-polar, with tyrosine, which is neutral and polar, at codon 316 of the MYSM1 protein (p.Phe316Tyr).

NM_001085487.3(MYSM1):c.947T>A (p.Phe316Tyr)

Gene: MYSM1 (Myb like, SWIRM and MPN domains 1; minus strand). Cytogenetic location: 1p32.1.
Variant type: single nucleotide variant.
Coding change: c.947T>A on transcript NM_001085487.3 (MANE Select); coding-DNA position 947, T replaced by A.
Protein change: p.Phe316Tyr; replaces phenylalanine 316 with tyrosine.
Molecular consequence: missense variant.
Genome position (GRCh38, 1-based): chr1:58,682,097, A>T on the plus strand (T>A on the coding strand, the complement: MYSM1 is on the minus strand). VCF-style: chr1-58682097-A-T. GRCh37 (hg19) VCF-style: chr1-59147769-A-T.
Other names: short protein forms F316Y.
Identifiers: ClinVar variation 2113614 (VCV002113614.4), dbSNP rs2524282766, ClinGen allele CA340526532.
Genomic context (GRCh38, chr1:58,682,097, plus strand): 5'-CTGGCATCAACTATTATTCCCCTTCCATCATGCTTGTTGCAGTTTTTAATCAATTCATTA[A>T]ATTTCTGGTCATTTAATTCAATTGATTTTTTGTCACCATTGCTCTGTTTCTCAGTCCACA-3'
Protein context (NP_001078956.1, residues 306-326): KKSIELNDQK[Phe316Tyr]NELIKNCNKH